The following is an entry in ClinVar:

ClinVar aggregate classification (germline): Uncertain significance (1 of 4 stars; one submission).

Conditions:
Combined immunodeficiency due to LRBA deficiency. Also called: Common variable immunodeficiency 8, with autoimmunity. Identifiers: Orphanet 445018, MedGen C3553512, MONDO:0013863, OMIM 614700.

Allele frequency attached by ClinVar (database versions not stated): ESP Exome Variant Server 0.00008.

Submission:

Labcorp Genetics (formerly Invitae), Labcorp
Classification: Uncertain significance for Combined immunodeficiency due to LRBA deficiency. Last evaluated: 2021-08-31. Review status: criteria provided, single submitter. Criteria: Invitae Variant Classification Sherloc (09022015). Collection method: clinical testing. Allele origin: germline.
Comment: This sequence change falls in intron 38 of the LRBA gene. It does not directly change the encoded amino acid sequence of the LRBA protein. It affects a nucleotide within the consensus splice site of the intron. This variant is not present in population databases (ExAC no frequency). This variant has not been reported in the literature in individuals affected with LRBA-related conditions. Variants that disrupt the consensus splice site are a relatively common cause of aberrant splicing (PMID: 17576681, 9536098). Algorithms developed to predict the effect of sequence changes on RNA splicing suggest that this variant may disrupt the consensus splice site. In summary, the available evidence is currently insufficient to determine the role of this variant in disease. Therefore, it has been classified as a Variant of Uncertain Significance.

Literature cited by the submitters: PubMed 17576681; PubMed 9536098.

NM_001364905.1(LRBA):c.6046+6T>C

Gene: LRBA (LPS responsive beige-like anchor protein; minus strand). Cytogenetic location: 4q31.3.
Variant type: single nucleotide variant.
Coding change: c.6046+6T>C on transcript NM_001364905.1 (MANE Select); 6 bases into the intron after coding-DNA position 6046, T replaced by C.
Molecular consequence: intron variant.
Genome position (GRCh38, 1-based): chr4:150,599,001, A>G on the plus strand (T>C on the coding strand, the complement: LRBA is on the minus strand). VCF-style: chr4-150599001-A-G. GRCh37 (hg19) VCF-style: chr4-151520153-A-G.
Other names: c.6046+6T>C (NM_001367550.1, NM_006726.5, NM_001199282.3 and 2 more transcripts).
Identifiers: ClinVar variation 1013701 (VCV001013701.6), dbSNP rs368457090, ClinGen allele CA108379951.